The following is an entry in ClinVar:

ClinVar aggregate classification (germline): Uncertain significance (1 of 4 stars; one submission).

gnomAD v4.1: 67 of 1,613,774 alleles (0.0042%); highest among the groups gnomAD compares: East Asian, 0.15%; 1 homozygote.

Submission:

Labcorp Genetics (formerly Invitae), Labcorp
Classification: Uncertain significance. Last evaluated: 2024-11-24. Review status: criteria provided, single submitter. Criteria: Invitae Variant Classification Sherloc (09022015). Collection method: clinical testing. Allele origin: germline.
Comment: This sequence change replaces proline, which is neutral and non-polar, with leucine, which is neutral and non-polar, at codon 442 of the TRIM28 protein (p.Pro442Leu). This variant is present in population databases (rs768050180, gnomAD 0.05%). This variant has not been reported in the literature in individuals affected with TRIM28-related conditions. Experimental studies and prediction algorithms are not available or were not evaluated, and the functional significance of this variant is currently unknown. In summary, the available evidence is currently insufficient to determine the role of this variant in disease. Therefore, it has been classified as a Variant of Uncertain Significance.

NM_005762.3(TRIM28):c.1325C>T (p.Pro442Leu)

Gene: TRIM28 (tripartite motif containing 28; plus strand). Cytogenetic location: 19q13.43.
Variant type: single nucleotide variant.
Coding change: c.1325C>T on transcript NM_005762.3 (MANE Select); coding-DNA position 1325, C replaced by T.
Protein change: p.Pro442Leu; replaces proline 442 with leucine.
Molecular consequence: missense variant.
Genome position (GRCh38, 1-based): chr19:58,548,741, C>T. VCF-style: chr19-58548741-C-T. GRCh37 (hg19) VCF-style: chr19-59060108-C-T.
Other names: short protein forms P442L.
Identifiers: ClinVar variation 3653960 (VCV003653960.2).